The following is an entry in ClinVar:

NM_007215.4(POLG2):c.338A>T (p.Glu113Val)

Genes: POLG2 (DNA polymerase gamma 2, accessory subunit; minus strand), MILR1 (mast cell immunoglobulin like receptor 1; plus strand). Cytogenetic location: 17q23.3.
Variant type: single nucleotide variant.
Coding change: c.338A>T on transcript NM_007215.4 (MANE Select); coding-DNA position 338, A replaced by T.
Protein change: p.Glu113Val; replaces glutamic acid 113 with valine.
Molecular consequence: missense variant.
Genome position (GRCh38, 1-based): chr17:64,496,631, T>A on the plus strand (A>T on the coding strand, the complement: POLG2 is on the minus strand). VCF-style: chr17-64496631-T-A. GRCh37 (hg19) VCF-style: chr17-62492749-T-A.
Other names: short protein forms E113V.
Identifiers: ClinVar variation 2044810 (VCV002044810.4), dbSNP rs2509560685, ClinGen allele CA400641144.

ClinVar aggregate classification (germline): Uncertain significance (1 of 4 stars; one submission).

gnomAD v4.1: 4 of 1,613,594 alleles (0.00025%); highest among the groups gnomAD compares: Non-Finnish European, 0.00034%; no homozygotes.

Submission:

Labcorp Genetics (formerly Invitae), Labcorp
Classification: Uncertain significance. Last evaluated: 2024-07-22. Review status: criteria provided, single submitter. Criteria: Invitae Variant Classification Sherloc (09022015). Collection method: clinical testing. Allele origin: germline.
Comment: This sequence change replaces glutamic acid, which is acidic and polar, with valine, which is neutral and non-polar, at codon 113 of the POLG2 protein (p.Glu113Val). This variant is not present in population databases (gnomAD no frequency). This variant has not been reported in the literature in individuals affected with POLG2-related conditions. ClinVar contains an entry for this variant (Variation ID: 2044810). An algorithm developed to predict the effect of missense changes on protein structure and function (PolyPhen-2) suggests that this variant is likely to be tolerated. In summary, the available evidence is currently insufficient to determine the role of this variant in disease. Therefore, it has been classified as a Variant of Uncertain Significance.